The following is an entry in ClinVar:

NM_001267550.2(TTN):c.101551A>C (p.Lys33851Gln)

Genes: TTN-AS1 (TTN antisense RNA 1; plus strand), TTN (titin; minus strand). Cytogenetic location: 2q31.2.
Variant type: single nucleotide variant.
Coding change: c.101551A>C on transcript NM_001267550.2 (MANE Select); coding-DNA position 101551, A replaced by C.
Protein change: p.Lys33851Gln; replaces lysine 33851 with glutamine.
Molecular consequence: missense variant.
Genome position (GRCh38, 1-based): chr2:178,535,064, T>G on the plus strand (A>C on the coding strand, the complement: TTN is on the minus strand). VCF-style: chr2-178535064-T-G. GRCh37 (hg19) VCF-style: chr2-179399791-T-G.
Other names: c.96628A>C, p.Lys32210Gln (NM_001256850.1); c.74356A>C, p.Lys24786Gln (NM_003319.4); c.93847A>C, p.Lys31283Gln (NM_133378.4); c.74731A>C, p.Lys24911Gln (NM_133432.3); c.74932A>C, p.Lys24978Gln (NM_133437.4); short protein forms K24978Q, K32210Q, K31283Q, K33851Q, K24786Q, K24911Q.
Identifiers: ClinVar variation 1037913 (VCV001037913.7), dbSNP rs1394900631, ClinGen allele CA349420463.

ClinVar aggregate classification (germline): Uncertain significance (1 of 4 stars; one submission).

Conditions:
Dilated cardiomyopathy 1G (CMD1G). Identifiers: Orphanet 154, MedGen C1858763, MONDO:0011400, OMIM 604145.
Autosomal recessive limb-girdle muscular dystrophy type 2J (LGMDR10). Also called: Limb-girdle muscular dystrophy, type 2J; MUSCULAR DYSTROPHY, LIMB-GIRDLE, AUTOSOMAL RECESSIVE 10. Identifiers: Orphanet 140922, MedGen C1837342, MONDO:0012127, OMIM 608807.

Allele frequency attached by ClinVar (database versions not stated): gnomAD exomes below 0.00001 and 0.00001.
gnomAD v4.1: 2 of 1,613,936 alleles (0.00012%); highest among the groups gnomAD compares: Non-Finnish European, 0.00017%; no homozygotes.

Submission:

Labcorp Genetics (formerly Invitae), Labcorp
Classification: Uncertain significance for Dilated cardiomyopathy 1G; Autosomal recessive limb-girdle muscular dystrophy type 2J. Last evaluated: 2020-02-03. Review status: criteria provided, single submitter. Criteria: Invitae Variant Classification Sherloc (09022015). Collection method: clinical testing. Allele origin: germline.
Comment: Algorithms developed to predict the effect of missense changes on protein structure and function are unavailable for the TTN gene. This variant is located in the M band of TTN (PMID: 25589632). Variants in this region may be relevant for neuromuscular disorders, but have not been definitively shown to cause cardiomyopathy (PMID: 23975875). In summary, the available evidence is currently insufficient to determine the role of this variant in disease. Therefore, it has been classified as a Variant of Uncertain Significance. This variant has not been reported in the literature in individuals with TTN-related conditions. This variant is not present in population databases (ExAC no frequency). This sequence change replaces lysine with glutamine at codon 33851 of the TTN protein (p.Lys33851Gln). There is a small physicochemical difference between lysine and glutamine.

Literature cited by the submitters: PubMed 25589632; PubMed 23975875.